The following is an entry in ClinVar:

ClinVar aggregate classification (germline): Uncertain significance (1 of 4 stars; one submission).

Submission:

GeneDx
Classification: Uncertain significance. Last evaluated: 2026-09-08. Review status: criteria provided, single submitter. Criteria: GeneDx Variant Classification Process June 2021. Collection method: clinical testing. Allele origin: germline.
Comment: Not observed at significant frequency in large population cohorts (gnomAD); In silico analysis supports that this missense variant has a deleterious effect on protein structure/function; Has not been previously published as pathogenic or benign to our knowledge

NM_182978.4(GNAL):c.581A>G (p.Tyr194Cys)

Gene: GNAL (G protein subunit alpha L; plus strand). Cytogenetic location: 18p11.21.
Variant type: single nucleotide variant.
Coding change: c.581A>G on transcript NM_182978.4 (MANE Select); coding-DNA position 581, A replaced by G.
Protein change: p.Tyr194Cys; replaces tyrosine 194 with cysteine.
Molecular consequence: missense variant.
Genome position (GRCh38, 1-based): chr18:11,753,902, A>G. VCF-style: chr18-11753902-A-G. GRCh37 (hg19) VCF-style: chr18-11753901-A-G.
Other names: c.350A>G, p.Tyr117Cys (NM_001142339.3, NM_001261443.2, NM_001369387.1); short protein forms Y117C, Y194C.
Identifiers: ClinVar variation 3372055 (VCV003372055.2).
Genomic context (GRCh38, chr18:11,753,902, plus strand): 5'-TGAGTACTATAATACCTCCAGTTCCGCTGGCCAACCCTGAAAACCAATTTCGATCAGACT[A>G]CATCAAGAGCATAGCCCCTATCACTGACTTTGAATATTCCCAGGTAAGAAATGCTTACTG-3'
Protein context (NP_892023.1, residues 184-204): ANPENQFRSD[Tyr194Cys]IKSIAPITDF